The following is an entry in ClinVar:

NM_002860.4(ALDH18A1):c.763G>T (p.Val255Leu)

Gene: ALDH18A1 (aldehyde dehydrogenase 18 family member A1; minus strand). Cytogenetic location: 10q24.1.
Variant type: single nucleotide variant.
Coding change: c.763G>T on transcript NM_002860.4 (MANE Select); coding-DNA position 763, G replaced by T.
Protein change: p.Val255Leu; replaces valine 255 with leucine.
Molecular consequence: missense variant.
Genome position (GRCh38, 1-based): chr10:95,633,004, C>A on the plus strand (G>T on the coding strand, the complement: ALDH18A1 is on the minus strand). VCF-style: chr10-95633004-C-A. GRCh37 (hg19) VCF-style: chr10-97392761-C-A.
Other names: c.757G>T, p.Val253Leu (NM_001017423.2, NM_001323415.2); c.430G>T, p.Val144Leu (NM_001323412.2, NM_001323416.2); c.763G>T, p.Val255Leu (NM_001323413.2, NM_001323414.2); c.658G>T, p.Val220Leu (NM_001323417.2); c.424G>T, p.Val142Leu (NM_001323418.2); c.127G>T, p.Val43Leu (NM_001323419.2); short protein forms V142L, V144L, V220L, V253L, V255L, V43L.
Identifiers: ClinVar variation 3760806 (VCV003760806.2).

ClinVar aggregate classification (germline): Uncertain significance (1 of 4 stars; one submission).

Conditions:
Cutis laxa, autosomal dominant 3 (ADCL3). Identifiers: Orphanet 90348, MedGen C4225268, MONDO:0014706, OMIM 616603.
Autosomal dominant spastic paraplegia type 9. Identifiers: MedGen C1832669, MONDO:0015091.
de Barsy syndrome. Also called: Cutis laxa-corneal clouding-oligophrenia syndrome. Identifiers: Orphanet 2962, MedGen C0268354, MONDO:0017569.

gnomAD v4.1: 1 of 1,614,210 alleles (0.000062%); highest among the groups gnomAD compares: Non-Finnish European, 0.000085%; no homozygotes.

Submission:

Labcorp Genetics (formerly Invitae), Labcorp
Classification: Uncertain significance for Autosomal dominant spastic paraplegia type 9; de Barsy syndrome; Cutis laxa, autosomal dominant 3. Last evaluated: 2026-01-12. Review status: criteria provided, single submitter. Criteria: Invitae Variant Classification Sherloc (09022015). Collection method: clinical testing. Allele origin: germline.
Comment: This sequence change replaces valine, which is neutral and non-polar, with leucine, which is neutral and non-polar, at codon 255 of the ALDH18A1 protein (p.Val255Leu). This variant is present in population databases (no rsID available, gnomAD 0.0009%). This variant has not been reported in the literature in individuals affected with ALDH18A1-related conditions. ClinVar contains an entry for this variant (Variation ID: 3760806). Invitae Evidence Modeling of protein sequence and biophysical properties (such as structural, functional, and spatial information, amino acid conservation, physicochemical variation, residue mobility, and thermodynamic stability) has been performed for this missense variant. However, the output from this modeling did not meet the statistical confidence thresholds required to predict the impact of this variant on ALDH18A1 protein function. In summary, the available evidence is currently insufficient to determine the role of this variant in disease. Therefore, it has been classified as a Variant of Uncertain Significance.